The following is an entry in ClinVar:

ClinVar aggregate classification (germline): Uncertain significance. Review status: criteria provided, multiple submitters, no conflicts (2 of 4 stars). 2 submissions from 2 submitters: Uncertain significance (2). Last evaluated 2022-09-24.

Conditions:
Hereditary cancer-predisposing syndrome. Also called: Neoplastic Syndromes, Hereditary; Tumor predisposition; Hereditary Cancer Syndrome; Hereditary neoplastic syndrome. Identifiers: Orphanet 140162, MedGen C0027672, MeSH D009386, MONDO:0015356.
Ataxia-telangiectasia syndrome (AT). Also called: LOUIS-BAR SYNDROME; Cerebello-oculocutaneous telangiectasia; Immunodeficiency with ataxia telangiectasia; Ataxia-telangiectasia, complementation group D; AT, COMPLEMENTATION GROUP C; ATAXIA-TELANGIECTASIA, COMPLEMENTATION GROUP A. Identifiers: Orphanet 100, MedGen C0004135, MONDO:0008840, OMIM 208900.

Submissions (2):

Ambry Genetics
Classification: Uncertain significance for Hereditary cancer-predisposing syndrome. Last evaluated: 2022-09-24. Review status: criteria provided, single submitter. Criteria: Ambry Variant Classification Scheme 2023. Collection method: clinical testing. Allele origin: germline.
Comment: The p.L1794M variant (also known as c.5380C>A), located in coding exon 35 of the ATM gene, results from a C to A substitution at nucleotide position 5380. The leucine at codon 1794 is replaced by methionine, an amino acid with highly similar properties. This amino acid position is conserved. In addition, this alteration is predicted to be tolerated by in silico analysis. Since supporting evidence is limited at this time, the clinical significance of this alteration remains unclear.

Labcorp Genetics (formerly Invitae), Labcorp
Classification: Uncertain significance for Ataxia-telangiectasia syndrome. Last evaluated: 2022-01-06. Review status: criteria provided, single submitter. Criteria: Invitae Variant Classification Sherloc (09022015). Collection method: clinical testing. Allele origin: germline.
Comment: This sequence change replaces leucine, which is neutral and non-polar, with methionine, which is neutral and non-polar, at codon 1794 of the ATM protein (p.Leu1794Met). This variant is not present in population databases (gnomAD no frequency). In summary, the available evidence is currently insufficient to determine the role of this variant in disease. Therefore, it has been classified as a Variant of Uncertain Significance. Advanced modeling of protein sequence and biophysical properties (such as structural, functional, and spatial information, amino acid conservation, physicochemical variation, residue mobility, and thermodynamic stability) performed at Invitae indicates that this missense variant is not expected to disrupt ATM protein function. This variant has not been reported in the literature in individuals affected with ATM-related conditions.

NM_000051.4(ATM):c.5380C>A (p.Leu1794Met)

Gene: ATM (ATM serine/threonine kinase; plus strand). Cytogenetic location: 11q22.3.
Variant type: single nucleotide variant.
Coding change: c.5380C>A on transcript NM_000051.4 (MANE Select); coding-DNA position 5380, C replaced by A.
Protein change: p.Leu1794Met; replaces leucine 1794 with methionine.
Molecular consequence: missense variant.
Genome position (GRCh38, 1-based): chr11:108,302,913, C>A. VCF-style: chr11-108302913-C-A. GRCh37 (hg19) VCF-style: chr11-108173640-C-A.
Other names: c.5380C>A, p.Leu1794Met (NM_001351834.2); short protein forms L1794M.
Identifiers: ClinVar variation 1747176 (VCV001747176.7), dbSNP rs1591712398, ClinGen allele CA382543510.
Genomic context (GRCh38, chr11:108,302,913, plus strand): 5'-TTTTTAGAAGTACCCAGATTTGACAAAGAAAACCCTTTTGAAGGCCTGGATGATATAAAT[C>A]TGTGGATTCCTCTAAGTGAAAATCATGACATTTGGATAAAGACACTGACTTGTGCTTTTT-3'
Protein context (NP_000042.3, residues 1784-1804): NPFEGLDDIN[Leu1794Met]WIPLSENHDI